The following is an entry in ClinVar:

ClinVar aggregate classification (germline): Uncertain significance. Review status: criteria provided, multiple submitters, no conflicts (2 of 4 stars). 3 submissions from 3 submitters: Uncertain significance (3). Last evaluated 2025-10-31.

Conditions:
Cardiovascular phenotype. Identifiers: MedGen CN230736.

Allele frequency attached by ClinVar (database versions not stated): ESP Exome Variant Server 0.00026; gnomAD 0.00007.
gnomAD v4.1: 112 of 1,612,722 alleles (0.0069%); highest among the groups gnomAD compares: Non-Finnish European, 0.0089%; no homozygotes.

Submissions (3):

Mayo Clinic Laboratories, Mayo Clinic
Classification: Uncertain significance. Last evaluated: 2025-10-31. Review status: criteria provided, single submitter. Criteria: ACMG Guidelines, 2015. Collection method: clinical testing. Allele origin: germline. Observed: 1 variant allele.
Comment: BP4

Ambry Genetics
Classification: Uncertain significance for Cardiovascular phenotype. Last evaluated: 2025-10-23. Review status: criteria provided, single submitter. Criteria: Ambry Variant Classification Scheme 2023. Collection method: clinical testing. Allele origin: germline.
Comment: The p.R2239L variant (also known as c.6716G>T), located in coding exon 18 of the TNXB gene, results from a G to T substitution at nucleotide position 6716. The arginine at codon 2239 is replaced by leucine, an amino acid with dissimilar properties. This amino acid position is well conserved in available vertebrate species. In addition, this alteration is predicted to be tolerated by in silico analysis. Since supporting evidence is limited at this time, the clinical significance of this alteration remains unclear.

GeneDx
Classification: Uncertain significance. Last evaluated: 2024-06-12. Review status: criteria provided, single submitter. Criteria: GeneDx Variant Classification Process June 2021. Collection method: clinical testing. Allele origin: germline. Affected: yes.
Comment: Has not been previously published as pathogenic or benign to our knowledge; In silico analysis supports that this missense variant has a deleterious effect on protein structure/function

NM_001365276.2(TNXB):c.6716G>T (p.Arg2239Leu)

Gene: TNXB (tenascin XB; minus strand). Cytogenetic location: 6p21.33.
Variant type: single nucleotide variant.
Coding change: c.6716G>T on transcript NM_001365276.2 (MANE Select); coding-DNA position 6716, G replaced by T.
Protein change: p.Arg2239Leu; replaces arginine 2239 with leucine.
Molecular consequence: missense variant.
Genome position (GRCh38, 1-based): chr6:32,064,946, C>A on the plus strand (G>T on the coding strand, the complement: TNXB is on the minus strand). VCF-style: chr6-32064946-C-A. GRCh37 (hg19) VCF-style: chr6-32032723-C-A.
Other names: p.Arg2239Leu; c.6716G>T, p.Arg2239Leu (NM_019105.8); short protein forms R2239L.
Identifiers: ClinVar variation 1755070 (VCV001755070.5), dbSNP rs375698113, ClinGen allele CA3734349.
Genomic context (GRCh38, chr6:32,064,946, plus strand): 5'-TTGTACTTGTGGTCTGGCTCCAGGCCCGAGATGGTGACCCCATCCTCGTGTCCCGGCACC[C>A]GCACCGCCTTGGGCTGCCCGTCCCCATTCTTAAACTGGACCAAGAAATGGTCAAACTGGC-3'
Protein context (NP_001352205.1, residues 2229-2249): KNGDGQPKAV[Arg2239Leu]VPGHEDGVTI